The following is an entry in ClinVar:

NM_021926.4(ALX4):c.616G>A (p.Asp206Asn)

Gene: ALX4 (ALX homeobox 4; minus strand). Cytogenetic location: 11p11.2.
Variant type: single nucleotide variant.
Coding change: c.616G>A on transcript NM_021926.4 (MANE Select); coding-DNA position 616, G replaced by A.
Protein change: p.Asp206Asn; replaces aspartic acid 206 with asparagine.
Molecular consequence: missense variant.
Genome position (GRCh38, 1-based): chr11:44,275,509, C>T on the plus strand (G>A on the coding strand, the complement: ALX4 is on the minus strand). VCF-style: chr11-44275509-C-T. GRCh37 (hg19) VCF-style: chr11-44297059-C-T.
Other names: short protein forms D206N.
Identifiers: ClinVar variation 4045688 (VCV004045688.2).

ClinVar aggregate classification (germline): Uncertain significance. Review status: criteria provided, multiple submitters, no conflicts (2 of 4 stars). 2 submissions from 2 submitters: Uncertain significance (2). Last evaluated 2025-08-23.

Conditions:
Inborn genetic diseases. Identifiers: MedGen C0950123, MeSH D030342.

Submissions (2):

Labcorp Genetics (formerly Invitae), Labcorp
Classification: Uncertain significance. Last evaluated: 2025-08-23. Review status: criteria provided, single submitter. Criteria: Invitae Variant Classification Sherloc (09022015). Collection method: clinical testing. Allele origin: germline.
Comment: This sequence change replaces aspartic acid, which is acidic and polar, with asparagine, which is neutral and polar, at codon 206 of the ALX4 protein (p.Asp206Asn). This variant is present in population databases (rs140457891, gnomAD 0.01%). This variant has not been reported in the literature in individuals affected with ALX4-related conditions. ClinVar contains an entry for this variant (Variation ID: 4045688). An algorithm developed to predict the effect of missense changes on protein structure and function (PolyPhen-2) suggests that this variant is likely to be tolerated. In summary, the available evidence is currently insufficient to determine the role of this variant in disease. Therefore, it has been classified as a Variant of Uncertain Significance.

Ambry Genetics
Classification: Uncertain significance for Inborn genetic diseases. Last evaluated: 2025-04-12. Review status: criteria provided, single submitter. Criteria: Ambry Variant Classification Scheme 2023. Collection method: clinical testing. Allele origin: germline.